The following is an entry in ClinVar:

NM_003000.3(SDHB):c.635T>C (p.Leu212Pro)

Gene: SDHB (succinate dehydrogenase complex iron sulfur subunit B; minus strand). Cytogenetic location: 1p36.13.
Variant type: single nucleotide variant.
Coding change: c.635T>C on transcript NM_003000.3 (MANE Select); coding-DNA position 635, T replaced by C.
Protein change: p.Leu212Pro; replaces leucine 212 with proline.
Molecular consequence: missense variant.
Genome position (GRCh38, 1-based): chr1:17,023,980, A>G on the plus strand (T>C on the coding strand, the complement: SDHB is on the minus strand). VCF-style: chr1-17023980-A-G. GRCh37 (hg19) VCF-style: chr1-17350475-A-G.
Other names: c.581T>C, p.Leu194Pro (NM_001407361.1); short protein forms L194P, L212P.
Identifiers: ClinVar variation 1753057 (VCV001753057.3), dbSNP rs1307247907, ClinGen allele CA338270935.

ClinVar aggregate classification (germline): Likely pathogenic (1 of 4 stars; one submission).

Conditions:
Hereditary cancer-predisposing syndrome. Also called: Neoplastic Syndromes, Hereditary; Tumor predisposition; Hereditary Cancer Syndrome; Hereditary neoplastic syndrome. Identifiers: Orphanet 140162, MedGen C0027672, MeSH D009386, MONDO:0015356.

gnomAD v4.1: 1 of 1,610,626 alleles (0.000062%); highest among the groups gnomAD compares: Non-Finnish European, 0.000085%; no homozygotes.

Submission:

Ambry Genetics
Classification: Likely pathogenic for Hereditary cancer-predisposing syndrome. Last evaluated: 2026-04-29. Review status: criteria provided, single submitter. Criteria: Ambry Variant Classification Scheme 2023. Collection method: clinical testing. Allele origin: germline.
Comment: The p.L212P variant (also known as c.635T>C), located in coding exon 6 of the SDHB gene, results from a T to C substitution at nucleotide position 635. The leucine at codon 212 is replaced by proline, an amino acid with similar properties. This variant was reported in individual(s) with features consistent with SDHB-related hereditary pheochromocytoma-paraganglioma (Ambry internal data). Based on internal structural analysis, this variant is anticipated to result in a significant decrease in structural stability (Ambry internal data). This amino acid position is highly conserved in available vertebrate species. In addition, this alteration is predicted to be deleterious by in silico analysis. This variant is considered to be rare based on population cohorts in the Genome Aggregation Database (gnomAD). Based on the majority of available evidence to date, this variant is likely to be pathogenic.